The following is an entry in ClinVar:

NM_022489.4(INF2):c.3623C>T (p.Pro1208Leu)

Gene: INF2 (inverted formin 2; plus strand). Cytogenetic location: 14q32.33.
Variant type: single nucleotide variant.
Coding change: c.3623C>T on transcript NM_022489.4 (MANE Select); coding-DNA position 3623, C replaced by T.
Protein change: p.Pro1208Leu; replaces proline 1208 with leucine.
Molecular consequence: missense variant.
Genome position (GRCh38, 1-based): chr14:104,714,785, C>T. VCF-style: chr14-104714785-C-T. GRCh37 (hg19) VCF-style: chr14-105181122-C-T.
Other names: c.3623C>T, p.Pro1208Leu (NM_001031714.4); short protein forms P1208L.
Identifiers: ClinVar variation 1967746 (VCV001967746.5), dbSNP rs1347620757, ClinGen allele CA391225533.

ClinVar aggregate classification (germline): Uncertain significance (1 of 4 stars; one submission).

Conditions:
Charcot-Marie-Tooth disease dominant intermediate E. Also called: CHARCOT-MARIE-TOOTH NEUROPATHY WITH FOCAL SEGMENTAL GLOMERULONEPHRITIS. Identifiers: Orphanet 93114, MedGen C4302667, MONDO:0013758, OMIM 614455.
Focal segmental glomerulosclerosis 5 (FSGS5). Identifiers: Orphanet 656, MedGen C2750475, MONDO:0013191, OMIM 613237.

Allele frequency attached by ClinVar (database versions not stated): TOPMed 0.00002.

Submission:

Labcorp Genetics (formerly Invitae), Labcorp
Classification: Uncertain significance for Charcot-Marie-Tooth disease dominant intermediate E; Focal segmental glomerulosclerosis 5. Last evaluated: 2022-01-16. Review status: criteria provided, single submitter. Criteria: Invitae Variant Classification Sherloc (09022015). Collection method: clinical testing. Allele origin: germline.
Comment: This sequence change replaces proline, which is neutral and non-polar, with leucine, which is neutral and non-polar, at codon 1208 of the INF2 protein (p.Pro1208Leu). This variant is not present in population databases (gnomAD no frequency). This variant has not been reported in the literature in individuals affected with INF2-related conditions. Algorithms developed to predict the effect of missense changes on protein structure and function are either unavailable or do not agree on the potential impact of this missense change (SIFT: "Tolerated"; PolyPhen-2: "Not Available"; Align-GVGD: "Class C0"). In summary, the available evidence is currently insufficient to determine the role of this variant in disease. Therefore, it has been classified as a Variant of Uncertain Significance.